The following is an entry in ClinVar:

ClinVar aggregate classification (germline): Uncertain significance (1 of 4 stars; one submission).

Submission:

Ambry Genetics
Classification: Uncertain significance. Last evaluated: 2025-10-17. Review status: criteria provided, single submitter. Criteria: Ambry Variant Classification Scheme 2023. Collection method: clinical testing. Allele origin: germline.
Comment: The p.P340T variant (also known as c.1018C>A), located in coding exon 10 of the SRP72 gene, results from a C to A substitution at nucleotide position 1018. The proline at codon 340 is replaced by threonine, an amino acid with highly similar properties. This amino acid position is conserved. In addition, this alteration is predicted to be deleterious by in silico analysis. Based on the available evidence, the clinical significance of this variant remains unclear.

NM_006947.4(SRP72):c.1018C>A (p.Pro340Thr)

Gene: SRP72 (signal recognition particle 72; plus strand). Cytogenetic location: 4q12.
Variant type: single nucleotide variant.
Coding change: c.1018C>A on transcript NM_006947.4 (MANE Select); coding-DNA position 1018, C replaced by A.
Protein change: p.Pro340Thr; replaces proline 340 with threonine.
Molecular consequence: missense variant. On other transcripts: non-coding transcript variant (1).
Genome position (GRCh38, 1-based): chr4:56,484,796, C>A. VCF-style: chr4-56484796-C-A. GRCh37 (hg19) VCF-style: chr4-57350962-C-A.
Other names: c.835C>A, p.Pro279Thr (NM_001267722.2); short protein forms P279T, P340T.
Identifiers: ClinVar variation 4589606 (VCV004589606.1).